The following is an entry in ClinVar:

NM_006648.4(WNK2):c.1660G>A (p.Glu554Lys)

Gene: WNK2 (WNK lysine deficient protein kinase 2; plus strand). Cytogenetic location: 9q22.31.
Variant type: single nucleotide variant.
Coding change: c.1660G>A on transcript NM_006648.4 (MANE Select); coding-DNA position 1660, G replaced by A.
Protein change: p.Glu554Lys; replaces glutamic acid 554 with lysine.
Molecular consequence: missense variant.
Genome position (GRCh38, 1-based): chr9:93,247,660, G>A. VCF-style: chr9-93247660-G-A. GRCh37 (hg19) VCF-style: chr9-96009942-G-A.
Other names: c.1660G>A, p.Glu554Lys (NM_001282394.3); short protein forms E554K.
Identifiers: ClinVar variation 3817094 (VCV003817094.1).

ClinVar aggregate classification (germline): Uncertain significance (1 of 4 stars; one submission).

Submission:

Ambry Genetics
Classification: Uncertain significance. Last evaluated: 2025-02-16. Review status: criteria provided, single submitter. Criteria: Ambry Variant Classification Scheme 2023. Collection method: clinical testing. Allele origin: germline.
Comment: The p.E554K variant (also known as c.1660G>A), located in coding exon 7 of the WNK2 gene, results from a G to A substitution at nucleotide position 1660. The glutamic acid at codon 554 is replaced by lysine, an amino acid with similar properties. This amino acid position is conserved. In addition, this alteration is predicted to be tolerated by in silico analysis. Based on the available evidence, the clinical significance of this variant remains unclear.